The following is an entry in ClinVar:

ClinVar aggregate classification (germline): Uncertain significance (1 of 4 stars; one submission).

gnomAD v4.1: 3 of 1,612,422 alleles (0.00019%); highest among the groups gnomAD compares: Admixed American, 0.005%; no homozygotes.

Submission:

GeneDx
Classification: Uncertain significance. Last evaluated: 2024-08-04. Review status: criteria provided, single submitter. Criteria: GeneDx Variant Classification Process June 2021. Collection method: clinical testing. Allele origin: germline. Affected: yes.
Comment: Identified in a patient with hypertriglyceridemia in published literature (PMID: 36325899); Not observed at significant frequency in large population cohorts (gnomAD); Nonsense variant predicted to result in protein truncation or nonsense mediated decay in a gene or region of a gene for which loss of function is not a well-established mechanism of disease; This variant is associated with the following publications: (PMID: 36325899)

NM_000236.3(LIPC):c.366G>A (p.Trp122Ter)

Gene: LIPC (lipase C, hepatic type; plus strand). Cytogenetic location: 15q21.3.
Variant type: single nucleotide variant.
Coding change: c.366G>A on transcript NM_000236.3 (MANE Select); coding-DNA position 366, G replaced by A.
Protein change: p.Trp122Ter; replaces tryptophan 122 with a stop codon.
Molecular consequence: nonsense.
Genome position (GRCh38, 1-based): chr15:58,541,877, G>A. VCF-style: chr15-58541877-G-A. GRCh37 (hg19) VCF-style: chr15-58834076-G-A.
Other names: short protein forms W122*.
Identifiers: ClinVar variation 3603022 (VCV003603022.1).
Genomic context (GRCh38, chr15:58,541,877, plus strand): 5'-GATGGTGGCCGCGCTGAAGTCTCAGCCGGCCCAGCCAGTGAACGTGGGGCTGGTGGACTG[G>A]ATCACCCTGGCCCACGACCACTACACCATCGCCGTCCGCAACACCCGCCTTGTGGGCAAG-3'